The following is an entry in ClinVar:

ClinVar aggregate classification (germline): Likely benign (1 of 4 stars; one submission).

Submission:

CeGaT Center for Human Genetics Tuebingen
Classification: Likely benign. Last evaluated: 2026-03-01. Review status: criteria provided, single submitter. Criteria: CeGaT Center For Human Genetics Tuebingen Variant Classification Criteria Version 2. Collection method: clinical testing. Allele origin: germline. Affected: yes. Observed: 1 variant allele.
Comment: RBMX: PM2:Supporting, BP4, BP7

NM_002139.4(RBMX):c.459A>C (p.Pro153=)

Gene: RBMX (RNA binding motif protein X-linked; minus strand). Cytogenetic location: Xq26.3.
Variant type: single nucleotide variant.
Coding change: c.459A>C on transcript NM_002139.4 (MANE Select); coding-DNA position 459, A replaced by C.
Protein change: p.Pro153=; no amino-acid change (proline 153 retained).
Molecular consequence: synonymous variant. On other transcripts: non-coding transcript variant (2), intron variant (1).
Genome position (GRCh38, 1-based): chrX:136,876,585, T>G on the plus strand (A>C on the coding strand, the complement: RBMX is on the minus strand). VCF-style: chrX-136876585-T-G. GRCh37 (hg19) VCF-style: chrX-135958744-T-G.
Other names: c.217-1000A>C (NM_001164803.2).
Identifiers: ClinVar variation 4821776 (VCV004821776.4).